The following is an entry in ClinVar:

ClinVar aggregate classification (germline): Likely benign. Review status: criteria provided, multiple submitters, no conflicts (2 of 4 stars). 3 submissions from 3 submitters: Likely benign (3). Last evaluated 2025-03-11.

Conditions:
Familial thoracic aortic aneurysm and aortic dissection (TAAD). Also called: Thoracic aortic aneurysms and dissections. Identifiers: Orphanet 91387, MedGen C4707243, MONDO:0019625.
Ehlers-Danlos syndrome, type 4 (EDSVASC). Also called: Ehlers-Danlos syndrome vascular type; Ehlers Danlos syndrome, ecchymotic type; Ehlers Danlos syndrome, arterial type; Ehlers Danlos syndrome, Sack-Barabas type; Ehlers-Danlos Syndrome Type IV. Identifiers: Orphanet 286, MedGen C0268338, MONDO:0017314, OMIM 130050.

Allele frequency attached by ClinVar (database versions not stated): gnomAD exomes below 0.00001 and 0.00001; TOPMed 0.00001.
gnomAD v4.1: 2 of 1,614,158 alleles (0.00012%); highest among the groups gnomAD compares: Admixed American, 0.0033%; no homozygotes.

Submissions (3):

Labcorp Genetics (formerly Invitae), Labcorp
Classification: Likely benign for Ehlers-Danlos syndrome, type 4. Last evaluated: 2025-03-11. Review status: criteria provided, single submitter. Criteria: Invitae Variant Classification Sherloc (09022015). Collection method: clinical testing. Allele origin: germline.

All of Us Research Program, National Institutes of Health
Classification: Likely benign for Ehlers-Danlos syndrome, type 4. Last evaluated: 2024-02-05. Review status: criteria provided, single submitter. Criteria: ACMG Guidelines, 2015. Collection method: clinical testing. Allele origin: germline. Inheritance: Autosomal dominant inheritance. Observed: 1 variant allele, 1 heterozygote.
Comment: This study involves interpretation of variants in research participants for the purpose of population health screening. Participant phenotype was not available at the time of variant classification. Additional details can be found in publication PMID: 35346344, PMCID: PMC8962531

Color Diagnostics, LLC DBA Color Health
Classification: Likely benign for Familial thoracic aortic aneurysm and aortic dissection. Last evaluated: 2021-07-06. Review status: criteria provided, single submitter. Criteria: ACMG Guidelines, 2015. Collection method: clinical testing. Allele origin: germline.

NM_000090.4(COL3A1):c.3102T>C (p.Arg1034=)

Gene: COL3A1 (collagen type III alpha 1 chain; plus strand). Cytogenetic location: 2q32.2.
Variant type: single nucleotide variant.
Coding change: c.3102T>C on transcript NM_000090.4 (MANE Select); coding-DNA position 3102, T replaced by C.
Protein change: p.Arg1034=; no amino-acid change (arginine 1034 retained).
Molecular consequence: synonymous variant.
Genome position (GRCh38, 1-based): chr2:189,006,353, T>C. VCF-style: chr2-189006353-T-C. GRCh37 (hg19) VCF-style: chr2-189871079-T-C.
Identifiers: ClinVar variation 740146 (VCV000740146.13), dbSNP rs1399453028, ClinGen allele CA430312766.